The following is an entry in ClinVar:

NM_018972.4(GDAP1):c.557T>C (p.Ile186Thr)

Gene: GDAP1 (ganglioside induced differentiation associated protein 1; plus strand). Cytogenetic location: 8q21.11.
Variant type: single nucleotide variant.
Coding change: c.557T>C on transcript NM_018972.4 (MANE Select); coding-DNA position 557, T replaced by C.
Protein change: p.Ile186Thr; replaces isoleucine 186 with threonine.
Molecular consequence: missense variant.
Genome position (GRCh38, 1-based): chr8:74,361,956, T>C. VCF-style: chr8-74361956-T-C. GRCh37 (hg19) VCF-style: chr8-75274191-T-C.
Other names: c.353T>C, p.Ile118Thr (NM_001040875.4); c.230T>C, p.Ile77Thr (NM_001362929.2, NM_001362932.2); c.383T>C, p.Ile128Thr (NM_001362930.2); c.557T>C, p.Ile186Thr (NM_001362931.2); short protein forms I128T, I77T, I118T, I186T.
Identifiers: ClinVar variation 847005 (VCV000847005.9), dbSNP rs1809389310, ClinGen allele CA371549238.

ClinVar aggregate classification (germline): Uncertain significance (1 of 4 stars; one submission).

Conditions:
Charcot-Marie-Tooth disease type 4A. Also called: Charcot-Marie-Tooth disease, demyelinating, autosomal recessive, type 4a. Identifiers: Orphanet 99948, MedGen C1859198, MONDO:0008961, OMIM 214400.

Submission:

Labcorp Genetics (formerly Invitae), Labcorp
Classification: Uncertain significance for Charcot-Marie-Tooth disease type 4A. Last evaluated: 2019-03-11. Review status: criteria provided, single submitter. Criteria: Invitae Variant Classification Sherloc (09022015). Collection method: clinical testing. Allele origin: germline.
Comment: Algorithms developed to predict the effect of missense changes on protein structure and function (SIFT, PolyPhen-2, Align-GVGD) all suggest that this variant is likely to be tolerated, but these predictions have not been confirmed by published functional studies and their clinical significance is uncertain. This variant has not been reported in the literature in individuals with GDAP1-related conditions. This variant is not present in population databases (ExAC no frequency). This sequence change replaces isoleucine with threonine at codon 186 of the GDAP1 protein (p.Ile186Thr). The isoleucine residue is moderately conserved and there is a moderate physicochemical difference between isoleucine and threonine. In summary, the available evidence is currently insufficient to determine the role of this variant in disease. Therefore, it has been classified as a Variant of Uncertain Significance.